The following is an entry in ClinVar:

ClinVar aggregate classification (germline): Likely benign. Review status: criteria provided, multiple submitters, no conflicts (2 of 4 stars). 3 submissions from 3 submitters: Likely benign (3). Last evaluated 2026-02-25.

Conditions:
RYR1-related disorder. Also called: RYR1-related condition; RYR1-related disorders. Identifiers: MedGen CN239331.

Allele frequency attached by ClinVar (database versions not stated): TOPMed 0.00048; gnomAD 0.00050 and 0.00053; ESP Exome Variant Server 0.00062; gnomAD exomes 0.00010; 1000 Genomes Project 30x 0.00016; 1000 Genomes Project 0.00020.
gnomAD v4.1: 170 of 1,611,384 alleles (0.011%); highest among the groups gnomAD compares: African/African-American, 0.2%; no homozygotes.

Submissions (3):

Women's Health and Genetics/Laboratory Corporation of America, LabCorp
Classification: Likely benign. Last evaluated: 2026-02-25. Review status: criteria provided, single submitter. Criteria: LabCorp Variant Classification Summary - May 2015. Collection method: clinical testing. Allele origin: germline.

Labcorp Genetics (formerly Invitae), Labcorp
Classification: Likely benign for RYR1-related disorder. Last evaluated: 2026-01-31. Review status: criteria provided, single submitter. Criteria: Invitae Variant Classification Sherloc (09022015). Collection method: clinical testing. Allele origin: germline.

GeneDx
Classification: Likely benign. Last evaluated: 2018-01-17. Review status: criteria provided, single submitter. Criteria: GeneDx Variant Classification (06012015). Collection method: clinical testing. Allele origin: germline. Affected: yes.
Comment: This variant is considered likely benign or benign based on one or more of the following criteria: it is a conservative change, it occurs at a poorly conserved position in the protein, it is predicted to be benign by multiple in silico algorithms, and/or has population frequency not consistent with disease.

NM_000540.3(RYR1):c.12012+11C>T

Gene: RYR1 (ryanodine receptor 1; plus strand). Cytogenetic location: 19q13.2.
Variant type: single nucleotide variant.
Coding change: c.12012+11C>T on transcript NM_000540.3 (MANE Select); 11 bases into the intron after coding-DNA position 12012, C replaced by T.
Molecular consequence: intron variant.
Genome position (GRCh38, 1-based): chr19:38,543,886, C>T. VCF-style: chr19-38543886-C-T. GRCh37 (hg19) VCF-style: chr19-39034526-C-T.
Other names: c.11997+11C>T (NM_001042723.2).
Identifiers: ClinVar variation 514730 (VCV000514730.10), dbSNP rs377621703, ClinGen allele CA057985.